The following is an entry in ClinVar:

NM_007373.4(SHOC2):c.77A>G (p.Lys26Arg)

Gene: SHOC2 (SHOC2 leucine rich repeat scaffold protein; plus strand). Cytogenetic location: 10q25.2.
Variant type: single nucleotide variant.
Coding change: c.77A>G on transcript NM_007373.4 (MANE Select); coding-DNA position 77, A replaced by G.
Protein change: p.Lys26Arg; replaces lysine 26 with arginine.
Molecular consequence: missense variant.
Genome position (GRCh38, 1-based): chr10:110,964,435, A>G. VCF-style: chr10-110964435-A-G. GRCh37 (hg19) VCF-style: chr10-112724193-A-G.
Other names: c.77A>G, p.Lys26Arg (NM_001269039.3, NM_001324336.2, NM_001324337.2); short protein forms K26R.
Identifiers: ClinVar variation 1760674 (VCV001760674.8), dbSNP rs138055318, ClinGen allele CA5689550.

ClinVar aggregate classification (germline): Uncertain significance. Review status: criteria provided, multiple submitters, no conflicts (2 of 4 stars). 2 submissions from 2 submitters: Uncertain significance (2). Last evaluated 2025-10-05.

Conditions:
RASopathy. Also called: Noonan spectrum disorder; rasopathies. Identifiers: Orphanet 536391, MedGen C5555857, MONDO:0021060.
Cardiovascular phenotype. Identifiers: MedGen CN230736.

Allele frequency attached by ClinVar (database versions not stated): ExAC 0.00001; gnomAD exomes 0.00001; gnomAD 0.00003; TOPMed 0.00004.
gnomAD v4.1: 18 of 1,613,248 alleles (0.0011%); highest among the groups gnomAD compares: Non-Finnish European, 0.0015%; no homozygotes.

Submissions (2):

Labcorp Genetics (formerly Invitae), Labcorp
Classification: Uncertain significance for RASopathy. Last evaluated: 2025-10-05. Review status: criteria provided, single submitter. Criteria: Invitae Variant Classification Sherloc (09022015). Collection method: clinical testing. Allele origin: germline.
Comment: This sequence change replaces lysine, which is basic and polar, with arginine, which is basic and polar, at codon 26 of the SHOC2 protein (p.Lys26Arg). This variant is present in population databases (rs138055318, gnomAD 0.003%). This variant has not been reported in the literature in individuals affected with SHOC2-related conditions. ClinVar contains an entry for this variant (Variation ID: 1760674). An algorithm developed to predict the effect of missense changes on protein structure and function (PolyPhen-2) suggests that this variant is likely to be disruptive. In summary, the available evidence is currently insufficient to determine the role of this variant in disease. Therefore, it has been classified as a Variant of Uncertain Significance.

Ambry Genetics
Classification: Uncertain significance for Cardiovascular phenotype. Last evaluated: 2024-05-30. Review status: criteria provided, single submitter. Criteria: Ambry Variant Classification Scheme 2023. Collection method: clinical testing. Allele origin: germline.
Comment: The p.K26R variant (also known as c.77A>G), located in coding exon 1 of the SHOC2 gene, results from an A to G substitution at nucleotide position 77. The lysine at codon 26 is replaced by arginine, an amino acid with highly similar properties. This amino acid position is conserved. In addition, the in silico prediction for this alteration is inconclusive. Since supporting evidence is limited at this time, the clinical significance of this alteration remains unclear.